The following is an entry in ClinVar:

NM_033305.3(VPS13A):c.932A>C (p.Asn311Thr)

Gene: VPS13A (vacuolar protein sorting 13 homolog A; plus strand). Cytogenetic location: 9q21.2.
Variant type: single nucleotide variant.
Coding change: c.932A>C on transcript NM_033305.3 (MANE Select); coding-DNA position 932, A replaced by C.
Protein change: p.Asn311Thr; replaces asparagine 311 with threonine.
Molecular consequence: missense variant.
Genome position (GRCh38, 1-based): chr9:77,220,326, A>C. VCF-style: chr9-77220326-A-C. GRCh37 (hg19) VCF-style: chr9-79835242-A-C.
Other names: c.932A>C, p.Asn311Thr (NM_001018037.2, NM_001018038.3, NM_015186.4); short protein forms N311T.
Identifiers: ClinVar variation 3027181 (VCV003027181.22), dbSNP rs2537598561, ClinGen allele CA373843422.

ClinVar aggregate classification (germline): Uncertain significance (1 of 4 stars; one submission).

Submission:

CeGaT Center for Human Genetics Tuebingen
Classification: Uncertain significance. Last evaluated: 2024-02-01. Review status: criteria provided, single submitter. Criteria: CeGaT Center For Human Genetics Tuebingen Variant Classification Criteria Version 2. Collection method: clinical testing. Allele origin: germline. Affected: yes. Observed: 1 variant allele.
Comment: VPS13A: PM2